The following is an entry in ClinVar:

ClinVar aggregate classification (germline): Uncertain significance. Review status: criteria provided, multiple submitters, no conflicts (2 of 4 stars). 2 submissions from 2 submitters: Uncertain significance (2). Last evaluated 2025-09-23.

Conditions:
Neuronal ceroid lipofuscinosis 11. Also called: GRN-Related Neuronal Ceroid-Lipofuscinosis. Identifiers: Orphanet 314629, Orphanet 79262, MedGen C3539123, MONDO:0013866, OMIM 614706.
GRN-related frontotemporal lobar degeneration with Tdp43 inclusions (FTD2). Also called: DEMENTIA, HEREDITARY DYSPHASIC DISINHIBITION; FRONTOTEMPORAL LOBAR DEGENERATION WITH UBIQUITIN-POSITIVE INCLUSIONS; FTLD-TDP, GRN-RELATED; FRONTOTEMPORAL DEMENTIA WITH TDP43 INCLUSIONS, GRN-RELATED; GRN Frontotemporal Dementia. Identifiers: Orphanet 100070, Orphanet 282, MedGen C1843792, MONDO:0011842, OMIM 607485. Disease mechanism: loss of function.
GRN-related disorder. Also called: GRN-related disorders; GRN-related condition.

Allele frequency attached by ClinVar (database versions not stated): gnomAD 0.00001; gnomAD exomes 0.00001; ExAC 0.00002; TOPMed 0.00002.
gnomAD v4.1: 17 of 1,613,998 alleles (0.0011%); highest among the groups gnomAD compares: East Asian, 0.0045%; no homozygotes.

Submissions (2):

Labcorp Genetics (formerly Invitae), Labcorp
Classification: Uncertain significance for Neuronal ceroid lipofuscinosis 11; GRN-related frontotemporal lobar degeneration with Tdp43 inclusions. Last evaluated: 2025-09-23. Review status: criteria provided, single submitter. Criteria: Invitae Variant Classification Sherloc (09022015). Collection method: clinical testing. Allele origin: germline.
Comment: This sequence change replaces arginine, which is basic and polar, with cysteine, which is neutral and slightly polar, at codon 510 of the GRN protein (p.Arg510Cys). This variant is present in population databases (rs747873577, gnomAD 0.007%). This missense change has been observed in individual(s) with clinical features of frontotemporal dementia (PMID: 32028661). ClinVar contains an entry for this variant (Variation ID: 1966410). Invitae Evidence Modeling of protein sequence and biophysical properties (such as structural, functional, and spatial information, amino acid conservation, physicochemical variation, residue mobility, and thermodynamic stability) indicates that this missense variant is not expected to disrupt GRN protein function with a negative predictive value of 80%. In summary, the available evidence is currently insufficient to determine the role of this variant in disease. Therefore, it has been classified as a Variant of Uncertain Significance.

PreventionGenetics, part of Exact Sciences
Classification: Uncertain significance for GRN-related condition. Last evaluated: 2025-03-24. Review status: criteria provided, single submitter. Criteria: ACMG Guidelines, 2015. Collection method: clinical testing. Allele origin: germline.
Comment: The GRN c.1528C>T variant is predicted to result in the amino acid substitution p.Arg510Cys. This variant has been reported in an individual with amyotrophic lateral sclerosis (ALS, Pensato et al. 2020. PubMed ID: 32028661). This variant is reported in 0.0062% of alleles in individuals of African descent in gnomAD. At this time, the clinical significance of this variant is uncertain due to the absence of conclusive functional and genetic evidence.

Literature cited by the submitters: PubMed 32028661 (cited by Labcorp Genetics (formerly Invitae), Labcorp).

NM_002087.4(GRN):c.1528C>T (p.Arg510Cys)

Gene: GRN (granulin precursor; plus strand). Cytogenetic location: 17q21.31.
Variant type: single nucleotide variant.
Coding change: c.1528C>T on transcript NM_002087.4 (MANE Select); coding-DNA position 1528, C replaced by T.
Protein change: p.Arg510Cys; replaces arginine 510 with cysteine.
Molecular consequence: missense variant.
Genome position (GRCh38, 1-based): chr17:44,352,455, C>T. VCF-style: chr17-44352455-C-T. GRCh37 (hg19) VCF-style: chr17-42429823-C-T.
Other names: c.1528C>T (NM_002087.3); short protein forms R510C.
Identifiers: ClinVar variation 1966410 (VCV001966410.6), dbSNP rs747873577, ClinGen allele CA8602230.